The following is an entry in ClinVar:

ClinVar aggregate classification (germline): Uncertain significance (1 of 4 stars; one submission).

Conditions:
Breast-ovarian cancer, familial, susceptibility to, 4. Identifiers: Orphanet 145, MedGen C3280345, MONDO:0013669, OMIM 614291.

Submission:

Labcorp Genetics (formerly Invitae), Labcorp
Classification: Uncertain significance for Breast-ovarian cancer, familial, susceptibility to, 4. Last evaluated: 2025-07-15. Review status: criteria provided, single submitter. Criteria: Invitae Variant Classification Sherloc (09022015). Collection method: clinical testing. Allele origin: germline.
Comment: This sequence change replaces glycine, which is neutral and non-polar, with alanine, which is neutral and non-polar, at codon 11 of the RAD51D protein (p.Gly11Ala). This variant is not present in population databases (gnomAD no frequency). This variant has not been reported in the literature in individuals affected with RAD51D-related conditions. An algorithm developed to predict the effect of missense changes on protein structure and function (PolyPhen-2) suggests that this variant is likely to be disruptive. In summary, the available evidence is currently insufficient to determine the role of this variant in disease. Therefore, it has been classified as a Variant of Uncertain Significance.

NM_002878.4(RAD51D):c.32G>C (p.Gly11Ala)

Genes: RAD51L3-RFFL (RAD51L3-RFFL readthrough; minus strand), RAD51D (RAD51 paralog D; minus strand). Cytogenetic location: 17q12.
Variant type: single nucleotide variant.
Coding change: c.32G>C on transcript NM_002878.4 (MANE Select); coding-DNA position 32, G replaced by C.
Protein change: p.Gly11Ala; replaces glycine 11 with alanine.
Molecular consequence: missense variant. On other transcripts: non-coding transcript variant (2).
Genome position (GRCh38, 1-based): chr17:35,119,582, C>G on the plus strand (G>C on the coding strand, the complement: RAD51D is on the minus strand). VCF-style: chr17-35119582-C-G. GRCh37 (hg19) VCF-style: chr17-33446601-C-G.
Other names: c.32G>C, p.Gly11Ala (NM_001142571.2, NM_133629.3); short protein forms G11A.
Identifiers: ClinVar variation 4723257 (VCV004723257.1).